The following is an entry in ClinVar:

NM_004134.7(HSPA9):c.599C>T (p.Ser200Leu)

Gene: HSPA9 (heat shock protein family A (Hsp70) member 9; minus strand). Cytogenetic location: 5q31.2.
Variant type: single nucleotide variant.
Coding change: c.599C>T on transcript NM_004134.7 (MANE Select); coding-DNA position 599, C replaced by T.
Protein change: p.Ser200Leu; replaces serine 200 with leucine.
Molecular consequence: missense variant.
Genome position (GRCh38, 1-based): chr5:138,567,659, G>A on the plus strand (C>T on the coding strand, the complement: HSPA9 is on the minus strand). VCF-style: chr5-138567659-G-A. GRCh37 (hg19) VCF-style: chr5-137903348-G-A.
Other names: short protein forms S200L.
Identifiers: ClinVar variation 3777813 (VCV003777813.8).

ClinVar aggregate classification (germline): Conflicting classifications of pathogenicity. Review status: criteria provided, conflicting classifications (1 of 4 stars). 2 submissions from 2 submitters: Uncertain significance (1); Likely benign (1). Last evaluated 2025-03-01.

Conditions:
Even-plus syndrome (EVPLS). Also called: EPIPHYSEAL AND VERTEBRAL DYSPLASIA, MICROTIA, AND FLAT NOSE, PLUS ASSOCIATED MALFORMATIONS. Identifiers: Orphanet 496751, MedGen C4225180, MONDO:0014801, OMIM 616854.
Autosomal dominant sideroblastic anemia. Also called: Anemia, sideroblastic, 4. Identifiers: Orphanet 260305, MedGen C4225428, MONDO:0008422, OMIM 182170.

gnomAD v4.1: 442 of 1,613,608 alleles (0.027%); highest among the groups gnomAD compares: Middle Eastern, 0.17%; 2 homozygotes.

Submissions (2):

CeGaT Center for Human Genetics Tuebingen
Classification: Likely benign. Last evaluated: 2025-03-01. Review status: criteria provided, single submitter. Criteria: CeGaT Center For Human Genetics Tuebingen Variant Classification Criteria Version 2. Collection method: clinical testing. Allele origin: germline. Affected: yes. Observed: 1 variant allele.
Comment: HSPA9: BS2

Department of Pathology and Laboratory Medicine, Sinai Health System
Classification: Uncertain significance for Autosomal dominant sideroblastic anemia; Even-plus syndrome. Last evaluated: 2020-05-11. Review status: criteria provided, single submitter. Criteria: ACMG Guidelines, 2015. Collection method: research. Allele origin: germline.